The following is an entry in ClinVar:

ClinVar aggregate classification (germline): Pathogenic (1 of 4 stars; one submission).

Conditions:
Renal coloboma syndrome (PAPRS). Also called: OPTIC COLOBOMA, VESICOURETERAL REFLUX, AND RENAL ANOMALIES; OPTIC NERVE COLOBOMA WITH RENAL DISEASE; RENAL-COLOBOMA SYNDROME WITH MACULAR ABNORMALITIES; CONGENITAL ANOMALIES OF THE KIDNEY AND URINARY TRACT WITH OR WITHOUT OCULAR ABNORMALITIES; CAKUT WITH OR WITHOUT OCULAR ABNORMALITIES; PAPILLORENAL SYNDROME WITH MILD OCULAR ABNORMALITIES. Identifiers: Orphanet 1475, MedGen C1852759, MONDO:0007352, OMIM 120330.
Focal segmental glomerulosclerosis 7 (FSGS7). Identifiers: Orphanet 656, MedGen C4014925, MONDO:0014451, OMIM 616002.

Submission:

Labcorp Genetics (formerly Invitae), Labcorp
Classification: Pathogenic for Renal coloboma syndrome; Focal segmental glomerulosclerosis 7. Last evaluated: 2021-08-16. Review status: criteria provided, single submitter. Criteria: Invitae Variant Classification Sherloc (09022015). Collection method: clinical testing. Allele origin: germline.
Comment: For these reasons, this variant has been classified as Pathogenic. This variant has not been reported in the literature in individuals affected with PAX2-related conditions. This variant is not present in population databases (ExAC no frequency). This sequence change creates a premature translational stop signal (p.Ser262*) in the PAX2 gene. It is expected to result in an absent or disrupted protein product. Loss-of-function variants in PAX2 are known to be pathogenic (PMID: 11461952, 24676634).

Literature cited by the submitters: PubMed 11461952; PubMed 24676634.

NM_000278.5(PAX2):c.785C>A (p.Ser262Ter)

Gene: PAX2 (paired box 2; plus strand). Cytogenetic location: 10q24.31.
Variant type: single nucleotide variant.
Coding change: c.785C>A on transcript NM_000278.5 (MANE Select); coding-DNA position 785, C replaced by A.
Protein change: p.Ser262Ter; replaces serine 262 with a stop codon.
Molecular consequence: nonsense.
Genome position (GRCh38, 1-based): chr10:100,806,598, C>A. VCF-style: chr10-100806598-C-A. GRCh37 (hg19) VCF-style: chr10-102566355-C-A.
Other names: c.878C>A, p.Ser293Ter (NM_001304569.2); c.854C>A, p.Ser285Ter (NM_003987.5, NM_003990.5); c.785C>A, p.Ser262Ter (NM_003988.5, NM_003989.5); short protein forms S262*, S285*, S293*.
Identifiers: ClinVar variation 1419850 (VCV001419850.6), dbSNP rs2133950621, ClinGen allele CA378259212.